The following is an entry in ClinVar:

ClinVar aggregate classification (germline): Uncertain significance (1 of 4 stars; one submission).

Conditions:
Spondylodysplastic Ehlers-Danlos syndrome. Identifiers: Orphanet 536471, Orphanet 75496, MedGen C5680154, MONDO:0007526.

Submission:

Labcorp Genetics (formerly Invitae), Labcorp
Classification: Uncertain significance for Spondylodysplastic Ehlers-Danlos syndrome. Last evaluated: 2022-06-09. Review status: criteria provided, single submitter. Criteria: Invitae Variant Classification Sherloc (09022015). Collection method: clinical testing. Allele origin: germline.
Comment: This sequence change replaces serine, which is neutral and polar, with cysteine, which is neutral and slightly polar, at codon 18 of the B4GALT7 protein (p.Ser18Cys). This variant is not present in population databases (gnomAD no frequency). This variant has not been reported in the literature in individuals affected with B4GALT7-related conditions. Algorithms developed to predict the effect of missense changes on protein structure and function (SIFT, PolyPhen-2, Align-GVGD) all suggest that this variant is likely to be tolerated. In summary, the available evidence is currently insufficient to determine the role of this variant in disease. Therefore, it has been classified as a Variant of Uncertain Significance.

NM_007255.3(B4GALT7):c.53C>G (p.Ser18Cys)

Gene: B4GALT7 (beta-1,4-galactosyltransferase 7; plus strand). Cytogenetic location: 5q35.3.
Variant type: single nucleotide variant.
Coding change: c.53C>G on transcript NM_007255.3 (MANE Select); coding-DNA position 53, C replaced by G.
Protein change: p.Ser18Cys; replaces serine 18 with cysteine.
Molecular consequence: missense variant.
Genome position (GRCh38, 1-based): chr5:177,604,181, C>G. VCF-style: chr5-177604181-C-G. GRCh37 (hg19) VCF-style: chr5-177031182-C-G.
Other names: short protein forms S18C.
Identifiers: ClinVar variation 1940610 (VCV001940610.2), dbSNP rs2532525959, ClinGen allele CA362372336.